The following is an entry in ClinVar:

ClinVar aggregate classification (germline): Uncertain significance (1 of 4 stars; one submission).

Conditions:
Intellectual developmental disorder, X-linked 99, syndromic, female-restricted. Also called: Intellectual disability, X-linked 99, syndromic, female-restricted. Identifiers: MedGen C4225416, MONDO:0010502, OMIM 300968.

gnomAD v4.1: 3 of 1,198,783 alleles (0.00025%); highest among the groups gnomAD compares: South Asian, 0.0056%; no homozygotes.

Submission:

Neuberg Centre For Genomic Medicine, NCGM
Classification: Uncertain significance for Intellectual developmental disorder, X-linked 99, syndromic, female-restricted. Review status: criteria provided, single submitter. Criteria: ACMG Guidelines, 2015. Collection method: clinical testing. Allele origin: germline. Inheritance: Autosomal dominant inheritance. Affected: yes.
Comment: The observed missense variant c.5230A>Gp.Ile1744Val in the USP9X gene has not been reported previously as a pathogenic variant nor as a benign variant, to our knowledge. This variant is reported with the allele frequency 0.001% in the gnomAD Exomes. The amino acid Ile at position 1744 is changed to a Val changing protein sequence and it might alter its composition and physico-chemical properties. Multiple lines of computational evidence Polyphen - Possibly Damaging and MutationTaster - Disease causing predict a damaging effect on protein structure and function for this variant. The residue is conserved by GERP++ and PhyloP across 100 vertebrates. For these reasons, this variant has been classified as Uncertain Significance.

NM_001039591.3(USP9X):c.5230A>G (p.Ile1744Val)

Gene: USP9X (ubiquitin specific peptidase 9 X-linked; plus strand). Cytogenetic location: Xp11.4.
Variant type: single nucleotide variant.
Coding change: c.5230A>G on transcript NM_001039591.3 (MANE Select); coding-DNA position 5230, A replaced by G.
Protein change: p.Ile1744Val; replaces isoleucine 1744 with valine.
Molecular consequence: missense variant.
Genome position (GRCh38, 1-based): chrX:41,214,608, A>G. VCF-style: chrX-41214608-A-G. GRCh37 (hg19) VCF-style: chrX-41073861-A-G.
Other names: c.5230A>G, p.Ile1744Val (NM_001039590.3); c.5245A>G, p.Ile1749Val (NM_001410748.1, NM_001410749.1); short protein forms I1744V, I1749V.
Identifiers: ClinVar variation 3391198 (VCV003391198.1).